The following is an entry in ClinVar:

ClinVar aggregate classification (germline): Pathogenic (1 of 4 stars; one submission).

Conditions:
Polycystic kidney disease 2 (PKD2). Also called: POLYCYSTIC KIDNEY DISEASE, ADULT, TYPE II; Polycystic Kidney Disease 2, Autosomal Dominant; POLYCYSTIC KIDNEY DISEASE 2 WITH OR WITHOUT POLYCYSTIC LIVER DISEASE. Identifiers: MedGen C2751306, MONDO:0013131, OMIM 613095.

Submission:

Victorian Clinical Genetics Services, Murdoch Childrens Research Institute
Classification: Pathogenic for Polycystic kidney disease 2. Last evaluated: 2025-02-05. Review status: criteria provided, single submitter. Criteria: ACMG Guidelines, 2015. Collection method: clinical testing. Allele origin: germline. Affected: yes.
Comment: This variant is classified as Pathogenic. Evidence in support of pathogenic classification: Canonical splice site variant without proven consequence on splicing (no functional evidence available); Variant is absent from gnomAD (v2, v3 and v4); Other splice variant(s) comparable to the one identified in this case have very strong previous evidence for pathogenicity. c.1095-1G>T and c.1095-2A>T have been classified as pathogenic or likely pathogenic by clinical laboratories in ClinVar, while c.1095-1G>A and c.1095-2A>G have been reported in individuals with ADPKD and renal ciliopathies in the literature (PMID: 34101167, 31740684, 22508176); Abnormal splicing is predicted by in silico tool and affected nucleotide is highly conserved. Additional information: This variant is heterozygous; This gene is associated with autosomal dominant disease; This variant has no previous evidence of pathogenicity; No published segregation evidence has been identified for this variant; No published functional evidence has been identified for this variant; Loss of function is a known mechanism of disease in this gene and is associated with polycystic kidney disease 2 (MIM#613095); Inheritance information for this variant is not currently available in this individual.

Literature cited by the submitters: PubMed 34101167; PubMed 31740684; PubMed 22508176.

NM_000297.4(PKD2):c.1095-1G>C

Gene: PKD2 (polycystin 2, transient receptor potential cation channel; plus strand). Cytogenetic location: 4q22.1.
Variant type: single nucleotide variant.
Coding change: c.1095-1G>C on transcript NM_000297.4 (MANE Select); the canonical splice acceptor site of the intron before coding-DNA position 1095, G replaced by C.
Molecular consequence: splice acceptor variant. On other transcripts: intron variant (1).
Genome position (GRCh38, 1-based): chr4:88,043,232, G>C. VCF-style: chr4-88043232-G-C. GRCh37 (hg19) VCF-style: chr4-88964384-G-C.
Other names: c.1095-3410G>C (NM_001440544.1).
Identifiers: ClinVar variation 4531952 (VCV004531952.1).
Genomic context (GRCh38, chr4:88,043,232, plus strand): 5'-TAATTGCCTCAAGTGTTCCACTGATTGTAACTGTTTGTTTTTTGGTTTTGTTTTTAATCA[G>C]TTGGATCTACACAAGTGAAAAAGACTTGAATGGTAGTAGCCACTGGGGAATCATTGCAAC-3'